The following is an entry in ClinVar:

NM_020433.5(JPH2):c.856ACC[2] (p.Thr288del)

Gene: JPH2 (junctophilin 2; minus strand). Cytogenetic location: 20q13.12.
Variant type: Microsatellite.
Coding change: c.856ACC[2] on transcript NM_020433.5 (MANE Select); two copies in a row of the 3-base unit ACC starting at c.856; the reference has three copies in a row; one copy, 3 bases deleted; also written c.862_864del.
Protein change: p.Thr288del; deletes threonine 288.
Molecular consequence: inframe indel (on NM_020433.4).
Genome position (GRCh38, 1-based): chr20:44,159,923-44,159,925, GGT deleted on the plus strand (ACC on the coding strand, the reverse complement: JPH2 is on the minus strand); deleting any 3 consecutive bases within chr20:44,159,923-44,159,933 gives the same sequence; the position shown is the placement nearest the transcript's 3' end. VCF-style (leftmost placement, unchanged base first): chr20-44159922-CGGT-C. GRCh37 (hg19) VCF-style: chr20-42788562-CGGT-C.
Other names: c.854_856CCA[2], p.Thr288del (NM_020433.4); c.862_864del (NM_020433.4); short protein forms T288del.
Identifiers: ClinVar variation 3365525 (VCV003365525.1).
Genomic context (GRCh38, chr20:44,159,922, plus strand): 5'-AGCGTTCGCTCACGCCGAAGCCCGAGCGTTTGTCGTTCTTCCACTCGCCCATGTAGGTCT[CGGT>C]GGTGGTGGCGTCGATATCGGCCTCGAAGGGTGCGGCCTCGTCGGCGCCCTCGGCGGCCTC-3'

ClinVar aggregate classification (germline): Uncertain significance (1 of 4 stars; one submission).

Submission:

GeneDx
Classification: Uncertain significance. Last evaluated: 2023-12-15. Review status: criteria provided, single submitter. Criteria: GeneDx Variant Classification Process June 2021. Collection method: clinical testing. Allele origin: germline. Affected: yes.
Comment: Has not been previously published as pathogenic or benign to our knowledge; Not observed at significant frequency in large population cohorts (gnomAD); In silico analysis supports a deleterious effect on protein structure/function; In-frame deletion of 1 amino acids in a non-repeat region